The following is an entry in ClinVar:

NM_001127222.2(CACNA1A):c.1198+6G>T

Gene: CACNA1A (calcium voltage-gated channel subunit alpha1 A; minus strand). Cytogenetic location: 19p13.13.
Variant type: single nucleotide variant.
Coding change: c.1198+6G>T on transcript NM_001127222.2 (MANE Select); 6 bases into the intron after coding-DNA position 1198, G replaced by T.
Molecular consequence: intron variant.
Genome position (GRCh38, 1-based): chr19:13,334,372, C>A on the plus strand (G>T on the coding strand, the complement: CACNA1A is on the minus strand). VCF-style: chr19-13334372-C-A. GRCh37 (hg19) VCF-style: chr19-13445186-C-A.
Other names: c.1198+6G>T (NM_001127221.2, NM_001174080.2, NM_000068.4 and 1 more transcripts).
Identifiers: ClinVar variation 3750426 (VCV003750426.2).

ClinVar aggregate classification (germline): Uncertain significance (1 of 4 stars; one submission).

Conditions:
Episodic ataxia type 2 (EA2). Also called: ACETAZOLAMIDE-RESPONSIVE HEREDITARY PAROXYSMAL CEREBELLAR ATAXIA; ATAXIA, EPISODIC, WITH NYSTAGMUS; ATAXIA, FAMILIAL PAROXYSMAL; CEREBELLAR ATAXIA, PAROXYSMAL, ACETAZOLAMIDE-RESPONSIVE; CEREBELLOPATHY, HEREDITARY PAROXYSMAL; EPISODIC ATAXIA, NYSTAGMUS-ASSOCIATED. Identifiers: Orphanet 97, MedGen C1720416, MONDO:0007163, OMIM 108500.
Developmental and epileptic encephalopathy, 42 (DEE42A). Also called: Epileptic encephalopathy, early infantile, 42; DEVELOPMENTAL AND EPILEPTIC ENCEPHALOPATHY 42A; EPILEPTIC ENCEPHALOPATHY, EARLY INFANTILE, 42A. Identifiers: MedGen C4310716, MONDO:0014917, OMIM 617106.

gnomAD v4.1: 1 of 1,422,092 alleles (0.00007%); highest among the groups gnomAD compares: South Asian, 0.0011%; no homozygotes.

Submission:

Labcorp Genetics (formerly Invitae), Labcorp
Classification: Uncertain significance for Developmental and epileptic encephalopathy, 42; Episodic ataxia type 2. Last evaluated: 2024-06-04. Review status: criteria provided, single submitter. Criteria: Invitae Variant Classification Sherloc (09022015). Collection method: clinical testing. Allele origin: germline.
Comment: This sequence change falls in intron 8 of the CACNA1A gene. It does not directly change the encoded amino acid sequence of the CACNA1A protein. It affects a nucleotide within the consensus splice site. This variant is not present in population databases (gnomAD no frequency). This variant has not been reported in the literature in individuals affected with CACNA1A-related conditions. Variants that disrupt the consensus splice site are a relatively common cause of aberrant splicing (PMID: 17576681, 9536098). Algorithms developed to predict the effect of sequence changes on RNA splicing suggest that this variant is not likely to affect RNA splicing. In summary, the available evidence is currently insufficient to determine the role of this variant in disease. Therefore, it has been classified as a Variant of Uncertain Significance.

Literature cited by the submitters: PubMed 17576681; PubMed 9536098.